The following is an entry in ClinVar:

NM_199420.4(POLQ):c.1691A>T (p.Lys564Ile)

Gene: POLQ (DNA polymerase theta; minus strand). Cytogenetic location: 3q13.33.
Variant type: single nucleotide variant.
Coding change: c.1691A>T on transcript NM_199420.4 (MANE Select); coding-DNA position 1691, A replaced by T.
Protein change: p.Lys564Ile; replaces lysine 564 with isoleucine.
Molecular consequence: missense variant.
Genome position (GRCh38, 1-based): chr3:121,510,164, T>A on the plus strand (A>T on the coding strand, the complement: POLQ is on the minus strand). VCF-style: chr3-121510164-T-A. GRCh37 (hg19) VCF-style: chr3-121229011-T-A.
Other names: short protein forms K564I.
Identifiers: ClinVar variation 1778139 (VCV001778139.2), dbSNP rs2546802654, ClinGen allele CA354115011.

ClinVar aggregate classification (germline): Uncertain significance (1 of 4 stars; one submission).

gnomAD v4.1: 16 of 1,614,086 alleles (0.00099%); highest among the groups gnomAD compares: Non-Finnish European, 0.0013%; no homozygotes.

Submission:

Ambry Genetics
Classification: Uncertain significance. Last evaluated: 2023-11-21. Review status: criteria provided, single submitter. Criteria: Ambry Variant Classification Scheme 2023. Collection method: clinical testing. Allele origin: germline.
Comment: The p.K564I variant (also known as c.1691A>T), located in coding exon 11 of the POLQ gene, results from an A to T substitution at nucleotide position 1691. The lysine at codon 564 is replaced by isoleucine, an amino acid with dissimilar properties. This amino acid position is conserved. In addition, this alteration is predicted to be tolerated by in silico analysis. Since supporting evidence is limited at this time, the clinical significance of this alteration remains unclear.